The following is an entry in ClinVar:

ClinVar aggregate classification (germline): Uncertain significance (1 of 4 stars; one submission).

Allele frequency attached by ClinVar (database versions not stated): gnomAD 0.00001; gnomAD exomes 0.00001; TOPMed 0.00001; ExAC 0.00003.

Submission:

Labcorp Genetics (formerly Invitae), Labcorp
Classification: Uncertain significance. Last evaluated: 2025-08-03. Review status: criteria provided, single submitter. Criteria: Invitae Variant Classification Sherloc (09022015). Collection method: clinical testing. Allele origin: germline.
Comment: This sequence change replaces valine, which is neutral and non-polar, with methionine, which is neutral and non-polar, at codon 1148 of the TUBGCP6 protein (p.Val1148Met). This variant is present in population databases (rs755122594, gnomAD 0.01%). This variant has not been reported in the literature in individuals affected with TUBGCP6-related conditions. ClinVar contains an entry for this variant (Variation ID: 1917143). An algorithm developed to predict the effect of missense changes on protein structure and function outputs the following: PolyPhen-2: "Not Available". The methionine amino acid residue is found in multiple mammalian species, which suggests that this missense change does not adversely affect protein function. In summary, the available evidence is currently insufficient to determine the role of this variant in disease. Therefore, it has been classified as a Variant of Uncertain Significance.

NM_020461.4(TUBGCP6):c.3442G>A (p.Val1148Met)

Gene: TUBGCP6 (tubulin gamma complex component 6; minus strand). Cytogenetic location: 22q13.33.
Variant type: single nucleotide variant.
Coding change: c.3442G>A on transcript NM_020461.4 (MANE Select); coding-DNA position 3442, G replaced by A.
Protein change: p.Val1148Met; replaces valine 1148 with methionine.
Molecular consequence: missense variant.
Genome position (GRCh38, 1-based): chr22:50,220,917, C>T on the plus strand (G>A on the coding strand, the complement: TUBGCP6 is on the minus strand). VCF-style: chr22-50220917-C-T. GRCh37 (hg19) VCF-style: chr22-50659346-C-T.
Other names: short protein forms V1148M.
Identifiers: ClinVar variation 1917143 (VCV001917143.3), dbSNP rs755122594, ClinGen allele CA10307947.